The following is an entry in ClinVar:

ClinVar aggregate classification (germline): Likely pathogenic (1 of 4 stars; one submission).

Conditions:
FGFR1-related disorder. Also called: FGFR1-related disorders; FGFR1-related condition. Identifiers: MedGen CN380097.

Submission:

PreventionGenetics, part of Exact Sciences
Classification: Likely pathogenic for FGFR1-related condition. Last evaluated: 2025-03-26. Review status: criteria provided, single submitter. Criteria: ACMG Guidelines, 2015. Collection method: clinical testing. Allele origin: germline.
Comment: The FGFR1 c.1082-1G>T variant is predicted to disrupt the AG splice acceptor site and interfere with normal splicing. To our knowledge, this variant has not been reported in the literature or in a large population database (gnomAD), indicating this variant is rare. Variants that disrupt the consensus splice acceptor site in FGFR1 are expected to be pathogenic. This variant is interpreted as likely pathogenic.

NM_023110.3(FGFR1):c.1082-1G>T

Gene: FGFR1 (fibroblast growth factor receptor 1; minus strand). Cytogenetic location: 8p11.23.
Variant type: single nucleotide variant.
Coding change: c.1082-1G>T on transcript NM_023110.3 (MANE Select); the canonical splice acceptor site of the intron before coding-DNA position 1082, G replaced by T.
Molecular consequence: splice acceptor variant.
Genome position (GRCh38, 1-based): chr8:38,419,736, C>A on the plus strand (G>T on the coding strand, the complement: FGFR1 is on the minus strand). VCF-style: chr8-38419736-C-A. GRCh37 (hg19) VCF-style: chr8-38277254-C-A.
Other names: c.809-1G>T (NM_001354368.2, NM_001354370.2, NM_023106.3); c.815-1G>T (NM_023105.3, NM_001174066.2); c.1076-1G>T (NM_001354367.2, NM_015850.4, NM_001354369.2 and 2 more transcripts); c.1082-1G>T (NM_001174063.2); c.1058-1G>T (NM_001174064.2); c.1175-1G>T (NM_001174067.2).
Identifiers: ClinVar variation 4999932 (VCV004999932.1).